The following is an entry in ClinVar:

NM_033380.3(COL4A5):c.1967dup (p.Gln657fs)

Gene: COL4A5 (collagen type IV alpha 5 chain; plus strand). Cytogenetic location: Xq22.3.
Variant type: Duplication.
Coding change: c.1967dup on transcript NM_033380.3 (MANE Select); coding-DNA position 1967, one base duplicated (G; older notation c.1967dupG).
Protein change: p.Gln657fs; shifts the reading frame from glutamine 657.
Molecular consequence: frameshift variant.
Genome position (GRCh38, 1-based): chrX:108,601,411, G duplicated; the last of 2 consecutive G bases (chrX:108,601,410-108,601,411); duplicating either gives the same sequence. VCF-style (leftmost placement, unchanged base first): chrX-108601409-A-AG. GRCh37 (hg19) VCF-style: chrX-107844639-A-AG.
Other names: c.1967dup, p.Gln657fs (NM_000495.5); short protein forms Q657fs.
Identifiers: ClinVar variation 4819039 (VCV004819039.1).

ClinVar aggregate classification (germline): Pathogenic (1 of 4 stars; one submission).

Conditions:
X-linked Alport syndrome (ATS1). Also called: NEPHROPATHY AND DEAFNESS, X-LINKED; COL4A5-Related Nephropathy. Identifiers: Orphanet 63, Orphanet 88917, MedGen C4746986, MONDO:0010520, OMIM 301050.

Submission:

Victorian Clinical Genetics Services, Murdoch Childrens Research Institute
Classification: Pathogenic for X-linked Alport syndrome. Last evaluated: 2025-12-07. Review status: criteria provided, single submitter. Criteria: ACMG Guidelines, 2015. Collection method: clinical testing. Allele origin: germline. Affected: yes.
Comment: This variant is classified as Pathogenic. Evidence in support of pathogenic classification: Variant is predicted to cause nonsense-mediated decay (NMD) and loss of protein (premature termination codon is located at least 54 nucleotides upstream of the final exon-exon junction); Variant is absent from gnomAD (v2, v3 and v4); Other NMD-predicted variant(s) comparable to the one identified in this case have very strong previous evidence for pathogenicity (DECIPHER). Additional information: This variant is heterozygous; This gene is associated with X-linked dominant disease. Males are typically more severely affected than females (PMID: 19965530); Dominant negative and loss of function are known mechanisms of disease in this gene and are associated with X-linked Alport syndrome 1 (MIM#301050). Dominant negative is caused mostly by glycine substitutions that affect the conformation of the protein, and loss of function can be caused by either protein truncating or missense variants (PMID: 24046192, 12028435); Variants in this gene are known to have variable expressivity. There is intrafamilial variability among affected carrier females, possibly due to variable X-inactivation (PMID: 14514738). - Inheritance information for this variant is not currently available in this individual.

Literature cited by the submitters: PubMed 24046192; PubMed 12028435; PubMed 14514738; PubMed 19965530.